The following is an entry in ClinVar:

NM_000069.3(CACNA1S):c.3107A>G (p.Asn1036Ser)

Gene: CACNA1S (calcium voltage-gated channel subunit alpha1 S; minus strand). Cytogenetic location: 1q32.1.
Variant type: single nucleotide variant.
Coding change: c.3107A>G on transcript NM_000069.3 (MANE Select); coding-DNA position 3107, A replaced by G.
Protein change: p.Asn1036Ser; replaces asparagine 1036 with serine.
Molecular consequence: missense variant.
Genome position (GRCh38, 1-based): chr1:201,061,415, T>C on the plus strand (A>G on the coding strand, the complement: CACNA1S is on the minus strand). VCF-style: chr1-201061415-T-C. GRCh37 (hg19) VCF-style: chr1-201030543-T-C.
Other names: short protein forms N1036S.
Identifiers: ClinVar variation 1721144 (VCV001721144.6), dbSNP rs2464497935, ClinGen allele CA344162680.

ClinVar aggregate classification (germline): Uncertain significance (1 of 4 stars; one submission).

Conditions:
Malignant hyperthermia, susceptibility to, 5 (MHS5). Also called: CACNA1S-Related Malignant Hyperthermia Susceptibility. Identifiers: Orphanet 423, MedGen C1866077, MONDO:0011163, OMIM 601887.
Hypokalemic periodic paralysis, type 1. Also called: Hypokalemic Periodic Paralysis Type 1 (AD); HypoPP. Identifiers: Orphanet 681, MedGen C3714580, MONDO:0042979, OMIM 170400.

Submission:

Labcorp Genetics (formerly Invitae), Labcorp
Classification: Uncertain significance for Hypokalemic periodic paralysis, type 1; Malignant hyperthermia, susceptibility to, 5. Last evaluated: 2022-10-07. Review status: criteria provided, single submitter. Criteria: Invitae Variant Classification Sherloc (09022015). Collection method: clinical testing. Allele origin: germline.
Comment: This sequence change replaces asparagine, which is neutral and polar, with serine, which is neutral and polar, at codon 1036 of the CACNA1S protein (p.Asn1036Ser). This variant is not present in population databases (gnomAD no frequency). This variant has not been reported in the literature in individuals affected with CACNA1S-related conditions. Advanced modeling of protein sequence and biophysical properties (such as structural, functional, and spatial information, amino acid conservation, physicochemical variation, residue mobility, and thermodynamic stability) performed at Invitae indicates that this missense variant is not expected to disrupt CACNA1S protein function. In summary, the available evidence is currently insufficient to determine the role of this variant in disease. Therefore, it has been classified as a Variant of Uncertain Significance.